The following is an entry in ClinVar:

ClinVar aggregate classification (germline): Likely benign (1 of 4 stars; one submission).

Allele frequency attached by ClinVar (database versions not stated): ExAC 0.00001; ESP Exome Variant Server 0.00076.

Submission:

CeGaT Center for Human Genetics Tuebingen
Classification: Likely benign. Last evaluated: 2026-09-01. Review status: criteria provided, single submitter. Criteria: CeGaT Center For Human Genetics Tuebingen Variant Classification Criteria Version 2. Collection method: clinical testing. Allele origin: germline. Affected: yes. Observed: 12 variant alleles.
Comment: MAGEC1: BP4, BP7

NM_005462.5(MAGEC1):c.1366T>C (p.Leu456=)

Gene: MAGEC1 (MAGE family member C1; plus strand). Cytogenetic location: Xq27.2.
Variant type: single nucleotide variant.
Coding change: c.1366T>C on transcript NM_005462.5 (MANE Select); coding-DNA position 1366, T replaced by C.
Protein change: p.Leu456=; no amino-acid change (leucine 456 retained).
Molecular consequence: synonymous variant.
Genome position (GRCh38, 1-based): chrX:141,906,770, T>C. VCF-style: chrX-141906770-T-C. GRCh37 (hg19) VCF-style: chrX-140994556-T-C.
Identifiers: ClinVar variation 2661570 (VCV002661570.24), dbSNP rs61701368, ClinGen allele CA10533645.